The following is an entry in ClinVar:

NM_001375524.1(TRRAP):c.6353A>G (p.Asn2118Ser)

Gene: TRRAP (transformation/transcription domain associated protein; plus strand). Cytogenetic location: 7q22.1.
Variant type: single nucleotide variant.
Coding change: c.6353A>G on transcript NM_001375524.1 (MANE Select); coding-DNA position 6353, A replaced by G.
Protein change: p.Asn2118Ser; replaces asparagine 2118 with serine.
Molecular consequence: missense variant.
Genome position (GRCh38, 1-based): chr7:98,959,354, A>G. VCF-style: chr7-98959354-A-G. GRCh37 (hg19) VCF-style: chr7-98556977-A-G.
Other names: c.6332A>G, p.Asn2111Ser (NM_001244580.2); c.6278A>G, p.Asn2093Ser (NM_003496.4); c.6332A>G (NM_001244580.1); short protein forms N2111S, N2093S, N2118S.
Identifiers: ClinVar variation 1952137 (VCV001952137.6), dbSNP rs1562960448, ClinGen allele CA368282215.

ClinVar aggregate classification (germline): Uncertain significance. Review status: criteria provided, multiple submitters, no conflicts (2 of 4 stars). 2 submissions from 2 submitters: Uncertain significance (2). Last evaluated 2025-02-26.

Conditions:
Inborn genetic diseases. Identifiers: MedGen C0950123, MeSH D030342.

Allele frequency attached by ClinVar (database versions not stated): gnomAD 0.00001; TOPMed 0.00001; gnomAD exomes below 0.00001.
gnomAD v4.1: 2 of 1,613,622 alleles (0.00012%); highest among the groups gnomAD compares: Admixed American, 0.0033%; no homozygotes.

Submissions (2):

Labcorp Genetics (formerly Invitae), Labcorp
Classification: Uncertain significance. Last evaluated: 2025-02-26. Review status: criteria provided, single submitter. Criteria: Invitae Variant Classification Sherloc (09022015). Collection method: clinical testing. Allele origin: germline.
Comment: This sequence change replaces asparagine, which is neutral and polar, with serine, which is neutral and polar, at codon 2093 of the TRRAP protein (p.Asn2093Ser). This variant is not present in population databases (gnomAD no frequency). This variant has not been reported in the literature in individuals affected with TRRAP-related conditions. ClinVar contains an entry for this variant (Variation ID: 1952137). Invitae Evidence Modeling of protein sequence and biophysical properties (such as structural, functional, and spatial information, amino acid conservation, physicochemical variation, residue mobility, and thermodynamic stability) indicates that this missense variant is not expected to disrupt TRRAP protein function with a negative predictive value of 80%. In summary, the available evidence is currently insufficient to determine the role of this variant in disease. Therefore, it has been classified as a Variant of Uncertain Significance.

Ambry Genetics
Classification: Uncertain significance for Inborn genetic diseases. Last evaluated: 2024-06-18. Review status: criteria provided, single submitter. Criteria: Ambry Variant Classification Scheme 2023. Collection method: clinical testing. Allele origin: germline.